The following is an entry in ClinVar:

ClinVar aggregate classification (germline): Uncertain significance (1 of 4 stars; one submission).

Submission:

Labcorp Genetics (formerly Invitae), Labcorp
Classification: Uncertain significance. Last evaluated: 2025-07-09. Review status: criteria provided, single submitter. Criteria: Invitae Variant Classification Sherloc (09022015). Collection method: clinical testing. Allele origin: germline.
Comment: This sequence change replaces proline, which is neutral and non-polar, with serine, which is neutral and polar, at codon 1119 of the NSD1 protein (p.Pro1119Ser). This variant is not present in population databases (gnomAD no frequency). This variant has not been reported in the literature in individuals affected with NSD1-related conditions. Invitae Evidence Modeling of protein sequence and biophysical properties (such as structural, functional, and spatial information, amino acid conservation, physicochemical variation, residue mobility, and thermodynamic stability) indicates that this missense variant is not expected to disrupt NSD1 protein function with a negative predictive value of 95%. In summary, the available evidence is currently insufficient to determine the role of this variant in disease. Therefore, it has been classified as a Variant of Uncertain Significance.

NM_022455.5(NSD1):c.3355C>T (p.Pro1119Ser)

Gene: NSD1 (nuclear receptor binding SET domain protein 1; plus strand). Cytogenetic location: 5q35.3.
Variant type: single nucleotide variant.
Coding change: c.3355C>T on transcript NM_022455.5 (MANE Select); coding-DNA position 3355, C replaced by T.
Protein change: p.Pro1119Ser; replaces proline 1119 with serine.
Molecular consequence: missense variant.
Genome position (GRCh38, 1-based): chr5:177,211,754, C>T. VCF-style: chr5-177211754-C-T. GRCh37 (hg19) VCF-style: chr5-176638755-C-T.
Other names: c.3355C>T, p.Pro1119Ser (NM_001409302.1, NM_001409303.1, NM_001409301.1); c.2935C>T, p.Pro979Ser (NM_001409304.1); c.2602C>T, p.Pro868Ser (NM_001409305.1); c.2482C>T, p.Pro828Ser (NM_001409306.1, NM_001409307.1, NM_001409308.1 and 3 more transcripts); short protein forms P1119S, P828S, P868S, P979S.
Identifiers: ClinVar variation 4801580 (VCV004801580.1).
Genomic context (GRCh38, chr5:177,211,754, plus strand): 5'-AGTGAAGATGGTGACCATTTTTCTGATGTGCATTTCGATAGCAAGGTTAAGCAATCTGAT[C>T]CTGGTAAAATTTCTGAAAAAGGACTCTCTTTTGAAAACGGAAAAGGCCCAGAGCTGGACT-3'
Protein context (NP_071900.2, residues 1109-1129): HFDSKVKQSD[Pro1119Ser]GKISEKGLSF